The following is an entry in ClinVar:

ClinVar aggregate classification (germline): Conflicting classifications of pathogenicity. Review status: criteria provided, conflicting classifications (1 of 4 stars). 2 submissions from 2 submitters: Uncertain significance (1); Likely benign (1). Last evaluated 2024-11-15.

Conditions:
Hereditary pheochromocytoma and paraganglioma. Also called: Hereditary paragangliomas and pheochromocytomas; Hereditary pheochromocytoma-paraganglioma; Hereditary Paraganglioma-Pheochromocytoma Syndromes. Identifiers: Orphanet 29072, MedGen C4274332, MONDO:0017366.
Hereditary cancer-predisposing syndrome. Also called: Tumor predisposition; Neoplastic Syndromes, Hereditary; Hereditary Cancer Syndrome; Hereditary neoplastic syndrome. Identifiers: Orphanet 140162, MedGen C0027672, MeSH D009386, MONDO:0015356.

Submissions (2):

Ambry Genetics
Classification: Uncertain significance for Hereditary cancer-predisposing syndrome. Last evaluated: 2024-11-15. Review status: criteria provided, single submitter. Criteria: Ambry Variant Classification Scheme 2023. Collection method: clinical testing. Allele origin: germline.
Comment: The c.339C>T variant (also known as p.T113T), located in coding exon 5 of the MAX gene, results from a C to T substitution at nucleotide position 339. This nucleotide substitution does not change the amino acid at codon 113. This nucleotide position is highly conserved in available vertebrate species. In silico splice site analysis for this alteration is inconclusive. Based on the available evidence, the clinical significance of this variant remains unclear.

Labcorp Genetics (formerly Invitae), Labcorp
Classification: Likely benign for Hereditary pheochromocytoma and paraganglioma. Last evaluated: 2024-05-21. Review status: criteria provided, single submitter. Criteria: Invitae Variant Classification Sherloc (09022015). Collection method: clinical testing. Allele origin: germline.

NM_002382.5(MAX):c.339C>T (p.Thr113=)

Gene: MAX (MYC associated transcriptional regulator X; minus strand). Cytogenetic location: 14q23.3.
Variant type: single nucleotide variant.
Coding change: c.339C>T on transcript NM_002382.5 (MANE Select); coding-DNA position 339, C replaced by T.
Protein change: p.Thr113=; no amino-acid change (threonine 113 retained).
Molecular consequence: synonymous variant. On other transcripts: 3 prime UTR variant (12), non-coding transcript variant (7), intron variant (2).
Genome position (GRCh38, 1-based): chr14:65,076,620, G>A on the plus strand (C>T on the coding strand, the complement: MAX is on the minus strand). VCF-style: chr14-65076620-G-A. GRCh37 (hg19) VCF-style: chr14-65543338-G-A.
Other names: c.150C>T, p.Thr50= (NM_001320415.2, NM_001407105.1, NM_001407106.1 and 1 more transcripts); c.339C>T, p.Thr113= (NM_001407094.1); c.312C>T, p.Thr104= (NM_001407095.1, NM_145112.3); c.*112C>T (NM_001407096.1, NM_001407099.1, NM_001407102.1 and 2 more transcripts); c.*128C>T (NM_001407097.1, NM_001407100.1, NM_001407101.1 and 4 more transcripts); c.231C>T, p.Thr77= (NM_001407098.1); c.138C>T, p.Thr46= (NM_001407111.1, NM_001407112.1); c.144+17088C>T (NM_001271069.2); and 1 more.
Identifiers: ClinVar variation 1131238 (VCV001131238.11), dbSNP rs786203812, ClinGen allele CA390031848.